The following is an entry in ClinVar:

NM_000432.4(MYL2):c.354-1G>A

Gene: MYL2 (myosin light chain 2; minus strand). Cytogenetic location: 12q24.11.
Variant type: single nucleotide variant.
Coding change: c.354-1G>A on transcript NM_000432.4 (MANE Select); the canonical splice acceptor site of the intron before coding-DNA position 354, G replaced by A.
Molecular consequence: splice acceptor variant.
Genome position (GRCh38, 1-based): chr12:110,913,145, C>T on the plus strand (G>A on the coding strand, the complement: MYL2 is on the minus strand). VCF-style: chr12-110913145-C-T. GRCh37 (hg19) VCF-style: chr12-111350949-C-T.
Other names: c.297-1G>A (NM_001406916.1); c.312-1G>A (NM_001406745.1).
Identifiers: ClinVar variation 4691549 (VCV004691549.1).

ClinVar aggregate classification (germline): Uncertain significance (1 of 4 stars; one submission).

Conditions:
Hypertrophic cardiomyopathy 10. Also called: CARDIOMYOPATHY, HYPERTROPHIC, MID-LEFT VENTRICULAR CHAMBER TYPE, 2; MYL2-Related Familial Hypertrophic Cardiomyopathy. Identifiers: MedGen C1834460, MONDO:0012112, OMIM 608758.

Submission:

Labcorp Genetics (formerly Invitae), Labcorp
Classification: Uncertain significance for Hypertrophic cardiomyopathy 10. Last evaluated: 2025-09-01. Review status: criteria provided, single submitter. Criteria: Invitae Variant Classification Sherloc (09022015). Collection method: clinical testing. Allele origin: germline.
Comment: This sequence change affects an acceptor splice site in intron 5 of the MYL2 gene. It is expected to disrupt RNA splicing. Variants that disrupt the donor or acceptor splice site typically lead to a loss of protein function (PMID: 16199547), however the current clinical and genetic evidence is not sufficient to establish whether loss-of-function variants in MYL2 cause disease. This variant is not present in population databases (gnomAD no frequency). This variant has not been reported in the literature in individuals affected with MYL2-related conditions. Algorithms developed to predict the effect of sequence changes on RNA splicing suggest that this variant may disrupt the consensus splice site. In summary, the available evidence is currently insufficient to determine the role of this variant in disease. Therefore, it has been classified as a Variant of Uncertain Significance.

Literature cited by the submitters: PubMed 16199547.